The following is an entry in ClinVar:

NM_001352514.2(HLCS):c.865G>A (p.Val289Ile)

Gene: HLCS (holocarboxylase synthetase; minus strand). Cytogenetic location: 21q22.13.
Variant type: single nucleotide variant.
Coding change: c.865G>A on transcript NM_001352514.2 (MANE Select); coding-DNA position 865, G replaced by A.
Protein change: p.Val289Ile; replaces valine 289 with isoleucine.
Molecular consequence: missense variant. On other transcripts: non-coding transcript variant (2).
Genome position (GRCh38, 1-based): chr21:36,937,021, C>T on the plus strand (G>A on the coding strand, the complement: HLCS is on the minus strand). VCF-style: chr21-36937021-C-T. GRCh37 (hg19) VCF-style: chr21-38309321-C-T.
Other names: c.424G>A, p.Val142Ile (NM_000411.8, NM_001242784.3, NM_001242785.2 and 4 more transcripts); short protein forms V142I, V289I.
Identifiers: ClinVar variation 339966 (VCV000339966.51), dbSNP rs149291867, ClinGen allele CA10020686.

ClinVar aggregate classification (germline): Conflicting classifications of pathogenicity. Review status: criteria provided, conflicting classifications (1 of 4 stars). 8 submissions from 8 submitters: Uncertain significance (3); Benign (2); Likely benign (2). 1 of the submissions does not count toward it. Last evaluated 2026-06-01.

Conditions:
Holocarboxylase synthetase deficiency. Also called: MULTIPLE CARBOXYLASE DEFICIENCY, EARLY ONSET. Identifiers: Orphanet 79242, MedGen C0268581, MONDO:0009666, OMIM 253270.
Inborn genetic diseases. Identifiers: MedGen C0950123, MeSH D030342.
HLCS-related disorder. Also called: HLCS-related condition.

Allele frequency attached by ClinVar (database versions not stated): 1000 Genomes Project 0.00020; 1000 Genomes Project 30x 0.00031; gnomAD exomes 0.00076 and 0.00136; gnomAD 0.00082 and 0.00087; ESP Exome Variant Server 0.00085; TOPMed 0.00093; ExAC 0.00101.
gnomAD v4.1: 1,339 of 1,614,110 alleles (0.083%); highest among the groups gnomAD compares: Middle Eastern, 0.51%; 11 homozygotes.

Submissions (8):

CeGaT Center for Human Genetics Tuebingen
Classification: Benign. Last evaluated: 2026-06-01. Review status: criteria provided, single submitter. Criteria: CeGaT Center For Human Genetics Tuebingen Variant Classification Criteria Version 2. Collection method: clinical testing. Allele origin: germline. Affected: yes. Observed: 2 variant alleles.
Comment: HLCS: BS1, BS2

Labcorp Genetics (formerly Invitae), Labcorp
Classification: Benign for Holocarboxylase synthetase deficiency. Last evaluated: 2026-02-02. Review status: criteria provided, single submitter. Criteria: Invitae Variant Classification Sherloc (09022015). Collection method: clinical testing. Allele origin: germline.

Genome-Nilou Lab
Classification: Uncertain significance for Holocarboxylase synthetase deficiency. Last evaluated: 2021-05-18. Review status: criteria provided, single submitter. Criteria: ACMG Guidelines, 2015. Collection method: clinical testing. Allele origin: germline. Affected: no.

Ambry Genetics
Classification: Likely benign for Inborn genetic diseases. Last evaluated: 2021-04-03. Review status: criteria provided, single submitter. Criteria: Ambry Variant Classification Scheme 2023. Collection method: clinical testing. Allele origin: germline.

GeneDx
Classification: Likely benign. Last evaluated: 2018-04-26. Review status: criteria provided, single submitter. Criteria: GeneDx Variant Classification Process June 2021. Collection method: clinical testing. Allele origin: germline. Affected: yes.

Illumina Laboratory Services, Illumina
Classification: Uncertain significance for Holocarboxylase synthetase deficiency. Last evaluated: 2018-01-12. Review status: criteria provided, single submitter. Criteria: ICSL Variant Classification Criteria 13 December 2019. Collection method: clinical testing. Allele origin: germline.

Laboratory for Molecular Medicine, Mass General Brigham Personalized Medicine
Classification: Uncertain significance. Last evaluated: 2016-03-28. Review status: criteria provided, single submitter. Criteria: LMM Criteria. Collection method: clinical testing. Allele origin: germline.
Comment: Variant identified in a genome or exome case(s) and assessed due to predicted null impact of the variant or pathogenic assertions in the literature or databases. Disclaimer: This variant has not undergone full assessment. The following are preliminary notes: See above.

PreventionGenetics, part of Exact Sciences
Classification: Benign for HLCS-related condition. Last evaluated: 2019-05-24. Review status: no assertion criteria provided. Collection method: clinical testing. Allele origin: germline. Not counted in ClinVar's aggregate classification.
Comment: This variant is classified as benign based on ACMG/AMP sequence variant interpretation guidelines (Richards et al. 2015 PMID: 25741868, with internal and published modifications).